The following is an entry in ClinVar:

NM_001136193.2(FASTKD2):c.53A>G (p.Asn18Ser)

Gene: FASTKD2 (FAST kinase domains 2; plus strand). Cytogenetic location: 2q33.3.
Variant type: single nucleotide variant.
Coding change: c.53A>G on transcript NM_001136193.2 (MANE Select); coding-DNA position 53, A replaced by G.
Protein change: p.Asn18Ser; replaces asparagine 18 with serine.
Molecular consequence: missense variant.
Genome position (GRCh38, 1-based): chr2:206,766,746, A>G. VCF-style: chr2-206766746-A-G. GRCh37 (hg19) VCF-style: chr2-207631470-A-G.
Other names: p.Asn18Ser; c.53A>G, p.Asn18Ser (NM_001136194.2, NM_014929.4); short protein forms N18S.
Identifiers: ClinVar variation 3379415 (VCV003379415.1).

ClinVar aggregate classification (germline): Uncertain significance (1 of 4 stars; one submission).

gnomAD v4.1: 130 of 1,614,096 alleles (0.0081%); highest among the groups gnomAD compares: South Asian, 0.13%; 1 homozygote.

Submission:

Mayo Clinic Laboratories, Mayo Clinic
Classification: Uncertain significance. Last evaluated: 2023-10-13. Review status: criteria provided, single submitter. Criteria: ACMG Guidelines, 2015. Collection method: clinical testing. Allele origin: germline. Observed: 1 variant allele.
Comment: BP4